The following is an entry in ClinVar:

NM_005022.4(PFN1):c.*5G>A

Gene: PFN1 (profilin 1; minus strand). Cytogenetic location: 17p13.2.
Variant type: single nucleotide variant.
Coding change: c.*5G>A on transcript NM_005022.4 (MANE Select); 5 bases downstream of the stop codon, G replaced by A.
Molecular consequence: 3 prime UTR variant.
Genome position (GRCh38, 1-based): chr17:4,945,895, C>T on the plus strand (G>A on the coding strand, the complement: PFN1 is on the minus strand). VCF-style: chr17-4945895-C-T. GRCh37 (hg19) VCF-style: chr17-4849190-C-T.
Other names: c.*512G>A (NM_001375991.1).
Identifiers: ClinVar variation 3351874 (VCV003351874.1).

ClinVar aggregate classification (germline): Likely benign (0 of 4 stars; one submission).

Conditions:
PFN1-related disorder. Also called: PFN1-related condition.

gnomAD v4.1: 39 of 1,562,600 alleles (0.0025%); highest among the groups gnomAD compares: Admixed American, 0.005%; no homozygotes.

Submission:

PreventionGenetics, part of Exact Sciences
Classification: Likely benign for PFN1-related condition. Last evaluated: 2022-12-14. Review status: no assertion criteria provided. Collection method: clinical testing. Allele origin: germline.
Comment: This variant is classified as likely benign based on ACMG/AMP sequence variant interpretation guidelines (Richards et al. 2015 PMID: 25741868, with internal and published modifications).